The following is an entry in ClinVar:

ClinVar aggregate classification (germline): Uncertain significance. Review status: criteria provided, multiple submitters, no conflicts (2 of 4 stars). 2 submissions from 2 submitters: Uncertain significance (2). Last evaluated 2024-09-14.

Conditions:
Alagille syndrome due to a JAG1 point mutation. Also called: HEPATIC DUCTULAR HYPOPLASIA, SYNDROMATIC; Alagille Syndrome 1; JAG1-Related Alagille Syndrome. Identifiers: Orphanet 261619, Orphanet 52, MedGen C1956125, MONDO:0016862, OMIM 118450.

gnomAD v4.1: 25 of 1,612,912 alleles (0.0015%); highest among the groups gnomAD compares: Non-Finnish European, 0.002%; no homozygotes.

Submissions (2):

Blueprint Genetics
Classification: Uncertain significance. Last evaluated: 2024-09-14. Review status: criteria provided, single submitter. Criteria: ACMG Guidelines, 2015. Collection method: clinical testing. Allele origin: germline.

Labcorp Genetics (formerly Invitae), Labcorp
Classification: Uncertain significance for Alagille syndrome due to a JAG1 point mutation. Last evaluated: 2021-11-28. Review status: criteria provided, single submitter. Criteria: Invitae Variant Classification Sherloc (09022015). Collection method: clinical testing. Allele origin: germline.
Comment: In summary, the available evidence is currently insufficient to determine the role of this variant in disease. Therefore, it has been classified as a Variant of Uncertain Significance. Advanced modeling of protein sequence and biophysical properties (such as structural, functional, and spatial information, amino acid conservation, physicochemical variation, residue mobility, and thermodynamic stability) performed at Invitae indicates that this missense variant is not expected to disrupt JAG1 protein function. This variant has not been reported in the literature in individuals affected with JAG1-related conditions. This variant is not present in population databases (gnomAD no frequency). This sequence change replaces proline, which is neutral and non-polar, with glutamine, which is neutral and polar, at codon 402 of the JAG1 protein (p.Pro402Gln).

NM_000214.3(JAG1):c.1205C>A (p.Pro402Gln)

Gene: JAG1 (jagged canonical Notch ligand 1; minus strand). Cytogenetic location: 20p12.2.
Variant type: single nucleotide variant.
Coding change: c.1205C>A on transcript NM_000214.3 (MANE Select); coding-DNA position 1205, C replaced by A.
Protein change: p.Pro402Gln; replaces proline 402 with glutamine.
Molecular consequence: missense variant.
Genome position (GRCh38, 1-based): chr20:10,650,276, G>T on the plus strand (C>A on the coding strand, the complement: JAG1 is on the minus strand). VCF-style: chr20-10650276-G-T. GRCh37 (hg19) VCF-style: chr20-10630924-G-T.
Other names: short protein forms P402Q.
Identifiers: ClinVar variation 2198461 (VCV002198461.5), dbSNP rs144204614, ClinGen allele CA408238426.